The following is an entry in ClinVar:

ClinVar aggregate classification (germline): Uncertain significance (1 of 4 stars; one submission).

Conditions:
LAMA2-related muscular dystrophy (LAMA2-RD). Also called: Laminin alpha 2-related dystrophy. Identifiers: MedGen C5679788, MONDO:0100228.

Submission:

Labcorp Genetics (formerly Invitae), Labcorp
Classification: Uncertain significance for LAMA2-related muscular dystrophy. Last evaluated: 2022-08-16. Review status: criteria provided, single submitter. Criteria: Invitae Variant Classification Sherloc (09022015). Collection method: clinical testing. Allele origin: germline.
Comment: In summary, the available evidence is currently insufficient to determine the role of this variant in disease. Therefore, it has been classified as a Variant of Uncertain Significance. Advanced modeling of protein sequence and biophysical properties (such as structural, functional, and spatial information, amino acid conservation, physicochemical variation, residue mobility, and thermodynamic stability) performed at Invitae indicates that this missense variant is not expected to disrupt LAMA2 protein function. This variant has not been reported in the literature in individuals affected with LAMA2-related conditions. This variant is not present in population databases (gnomAD no frequency). This sequence change replaces threonine, which is neutral and polar, with serine, which is neutral and polar, at codon 1413 of the LAMA2 protein (p.Thr1413Ser).

NM_000426.4(LAMA2):c.4238C>G (p.Thr1413Ser)

Gene: LAMA2 (laminin subunit alpha 2; plus strand). Cytogenetic location: 6q22.33.
Variant type: single nucleotide variant.
Coding change: c.4238C>G on transcript NM_000426.4 (MANE Select); coding-DNA position 4238, C replaced by G.
Protein change: p.Thr1413Ser; replaces threonine 1413 with serine.
Molecular consequence: missense variant.
Genome position (GRCh38, 1-based): chr6:129,328,339, C>G. VCF-style: chr6-129328339-C-G. GRCh37 (hg19) VCF-style: chr6-129649484-C-G.
Other names: c.4238C>G, p.Thr1413Ser (NM_001079823.2); short protein forms T1413S.
Identifiers: ClinVar variation 2067244 (VCV002067244.4), dbSNP rs748730985, ClinGen allele CA365614302.